The following is an entry in ClinVar:

NM_000821.7(GGCX):c.2136C>G (p.Ser712=)

Gene: GGCX (gamma-glutamyl carboxylase; minus strand). Cytogenetic location: 2p11.2.
Variant type: single nucleotide variant.
Coding change: c.2136C>G on transcript NM_000821.7 (MANE Select); coding-DNA position 2136, C replaced by G.
Protein change: p.Ser712=; no amino-acid change (serine 712 retained).
Molecular consequence: synonymous variant.
Genome position (GRCh38, 1-based): chr2:85,550,075, G>C on the plus strand (C>G on the coding strand, the complement: GGCX is on the minus strand). VCF-style: chr2-85550075-G-C. GRCh37 (hg19) VCF-style: chr2-85777198-G-C.
Other names: c.1965C>G, p.Ser655= (NM_001142269.4); c.2136C>G (NM_000821.6).
Identifiers: ClinVar variation 2910623 (VCV002910623.5), dbSNP rs140290141, ClinGen allele CA1741616.

ClinVar aggregate classification (germline): Likely benign. Review status: criteria provided, single submitter (1 of 4 stars). 2 submissions from 2 submitters: Likely benign (1). 1 of the submissions does not count toward it. Last evaluated 2024-03-20.

Conditions:
GGCX-related disorder. Also called: GGCX-related condition; GGCX - Related Disorders.

Allele frequency attached by ClinVar (database versions not stated): gnomAD exomes 0.00001; ExAC 0.00007; gnomAD 0.00009; TOPMed 0.00011; 1000 Genomes Project 30x 0.00016; 1000 Genomes Project 0.00020; ESP Exome Variant Server 0.00023.

Submissions (2):

Labcorp Genetics (formerly Invitae), Labcorp
Classification: Likely benign. Last evaluated: 2024-03-20. Review status: criteria provided, single submitter. Criteria: Invitae Variant Classification Sherloc (09022015). Collection method: clinical testing. Allele origin: germline.

PreventionGenetics, part of Exact Sciences
Classification: Likely benign for GGCX-related condition. Last evaluated: 2022-08-06. Review status: no assertion criteria provided. Collection method: clinical testing. Allele origin: germline. Not counted in ClinVar's aggregate classification.
Comment: This variant is classified as likely benign based on ACMG/AMP sequence variant interpretation guidelines (Richards et al. 2015 PMID: 25741868, with internal and published modifications).